The following is an entry in ClinVar:

NM_001267550.2(TTN):c.92463del (p.Pro30822fs)

Genes: TTN-AS1 (TTN antisense RNA 1; plus strand), TTN (titin; minus strand). Cytogenetic location: 2q31.2.
Variant type: Deletion.
Coding change: c.92463del on transcript NM_001267550.2 (MANE Select); coding-DNA position 92463, one base deleted (A; older notation c.92463delA).
Protein change: p.Pro30822fs; shifts the reading frame from proline 30822.
Molecular consequence: frameshift variant.
Genome position (GRCh38, 1-based): chr2:178,549,163, T deleted on the plus strand (A on the coding strand, the reverse complement: TTN is on the minus strand). VCF-style (leftmost placement, unchanged base first): chr2-178549162-GT-G. GRCh37 (hg19) VCF-style: chr2-179413889-GT-G.
Other names: c.87540del, p.Pro29181fs (NM_001256850.1); c.65268del, p.Pro21757fs (NM_003319.4); c.84759del, p.Pro28254fs (NM_133378.4); c.65643del, p.Pro21882fs (NM_133432.3); c.65844del, p.Pro21949fs (NM_133437.4); short protein forms P21757fs, P21882fs, P21949fs, P29181fs, P28254fs, P30822fs.
Identifiers: ClinVar variation 4786407 (VCV004786407.1).

ClinVar aggregate classification (germline): Likely pathogenic (1 of 4 stars; one submission).

Conditions:
Autosomal recessive limb-girdle muscular dystrophy type 2J (LGMDR10). Also called: Limb-girdle muscular dystrophy, type 2J; MUSCULAR DYSTROPHY, LIMB-GIRDLE, AUTOSOMAL RECESSIVE 10. Identifiers: Orphanet 140922, MedGen C1837342, MONDO:0012127, OMIM 608807.
Dilated cardiomyopathy 1G (CMD1G). Identifiers: Orphanet 154, MedGen C1858763, MONDO:0011400, OMIM 604145.

Submission:

Labcorp Genetics (formerly Invitae), Labcorp
Classification: Likely pathogenic for Dilated cardiomyopathy 1G; Autosomal recessive limb-girdle muscular dystrophy type 2J. Last evaluated: 2025-10-26. Review status: criteria provided, single submitter. Criteria: Invitae Variant Classification Sherloc (09022015). Collection method: clinical testing. Allele origin: germline.
Comment: This sequence change creates a premature translational stop signal (p.Pro30822Glnfs*9) in the TTN gene. While this is not anticipated to result in nonsense mediated decay, it is expected to create a truncated TTN protein. This variant is not present in population databases (gnomAD no frequency). This variant has not been reported in the literature in individuals affected with TTN-related conditions. This variant is located in the A band of TTN (PMID: 25589632). Truncating variants in this region are significantly overrepresented in patients affected with dilated cardiomyopathy (PMID: 25589632). Truncating variants in this region have also been reported in individuals affected with autosomal recessive centronuclear myopathy (PMID: 23975875). In summary, the currently available evidence indicates that the variant is pathogenic, but additional data are needed to prove that conclusively. Therefore, this variant has been classified as Likely Pathogenic.

Literature cited by the submitters: PubMed 25589632; PubMed 23975875.